The following is an entry in ClinVar:

NM_001282225.2(ADA2):c.226A>G (p.Arg76Gly)

Gene: ADA2 (adenosine deaminase 2; minus strand). Cytogenetic location: 22q11.1.
Variant type: single nucleotide variant.
Coding change: c.226A>G on transcript NM_001282225.2 (MANE Select); coding-DNA position 226, A replaced by G.
Protein change: p.Arg76Gly; replaces arginine 76 with glycine.
Molecular consequence: missense variant. On other transcripts: intron variant (1).
Genome position (GRCh38, 1-based): chr22:17,209,452, T>C on the plus strand (A>G on the coding strand, the complement: ADA2 is on the minus strand). VCF-style: chr22-17209452-T-C. GRCh37 (hg19) VCF-style: chr22-17690342-T-C.
Other names: c.226A>G, p.Arg76Gly (NM_001282226.2); c.100A>G, p.Arg34Gly (NM_001282227.2, NM_001282228.2); c.-38-2162A>G (NM_001282229.2); short protein forms R76G, R34G.
Identifiers: ClinVar variation 1378588 (VCV001378588.6), dbSNP rs2123715454, ClinGen allele CA410230442.

ClinVar aggregate classification (germline): Uncertain significance (1 of 4 stars; one submission).

Conditions:
Deficiency of adenosine deaminase 2. Also called: VASCULITIS, AUTOINFLAMMATION, IMMUNODEFICIENCY, AND HEMATOLOGIC DEFECTS SYNDROME; Polyarteritis nodosa, childhoood-onset; Adenosine Deaminase 2 Deficiency. Identifiers: Orphanet 404553, MedGen C3887654, MONDO:0014306, OMIM 615688, MONDO:0100317.

Submission:

Labcorp Genetics (formerly Invitae), Labcorp
Classification: Uncertain significance for Deficiency of adenosine deaminase 2. Last evaluated: 2021-08-30. Review status: criteria provided, single submitter. Criteria: Invitae Variant Classification Sherloc (09022015). Collection method: clinical testing. Allele origin: germline.
Comment: In summary, the available evidence is currently insufficient to determine the role of this variant in disease. Therefore, it has been classified as a Variant of Uncertain Significance. Algorithms developed to predict the effect of missense changes on protein structure and function (SIFT, PolyPhen-2, Align-GVGD) all suggest that this variant is likely to be tolerated. This variant has not been reported in the literature in individuals affected with ADA2-related conditions. This variant is not present in population databases (ExAC no frequency). This sequence change replaces arginine with glycine at codon 76 of the ADA2 protein (p.Arg76Gly). The arginine residue is weakly conserved and there is a moderate physicochemical difference between arginine and glycine.